The following is an entry in ClinVar:

NM_020634.3(GDF3):c.460C>T (p.His154Tyr)

Gene: GDF3 (growth differentiation factor 3; minus strand). Cytogenetic location: 12p13.31.
Variant type: single nucleotide variant.
Coding change: c.460C>T on transcript NM_020634.3 (MANE Select); coding-DNA position 460, C replaced by T.
Protein change: p.His154Tyr; replaces histidine 154 with tyrosine.
Molecular consequence: missense variant.
Genome position (GRCh38, 1-based): chr12:7,690,513, G>A on the plus strand (C>T on the coding strand, the complement: GDF3 is on the minus strand). VCF-style: chr12-7690513-G-A. GRCh37 (hg19) VCF-style: chr12-7843109-G-A.
Other names: c.460C>T (NM_020634.2); short protein forms H154Y.
Identifiers: ClinVar variation 4830419 (VCV004830419.2).

ClinVar aggregate classification (germline): Uncertain significance. Review status: criteria provided, multiple submitters, no conflicts (2 of 4 stars). 2 submissions from 2 submitters: Uncertain significance (2). Last evaluated 2025-12-16.

Conditions:
GDF3-related disorder. Also called: GDF3-related condition.

Submissions (2):

Ambry Genetics
Classification: Uncertain significance. Last evaluated: 2025-12-16. Review status: criteria provided, single submitter. Criteria: Ambry Variant Classification Scheme 2023. Collection method: clinical testing. Allele origin: germline.

PreventionGenetics, part of Exact Sciences
Classification: Uncertain significance for GDF3-related condition. Last evaluated: 2025-03-25. Review status: criteria provided, single submitter. Criteria: ACMG Guidelines, 2015. Collection method: clinical testing. Allele origin: germline.
Comment: The GDF3 c.460C>T variant is predicted to result in the amino acid substitution p.His154Tyr. To our knowledge, this variant has not been reported in the literature. This variant is present in 0.0029% of alleles in individuals of Latino descent in gnomAD. At this time, the clinical significance of this variant is uncertain due to the absence of conclusive functional and genetic evidence.